The following is an entry in ClinVar:

ClinVar aggregate classification (germline): Benign. Review status: criteria provided, multiple submitters, no conflicts (2 of 4 stars). 4 submissions from 2 submitters: Benign (4). Last evaluated 2018-03-20.

Conditions:
Myhre syndrome (MYHRS). Also called: LARYNGOTRACHEAL STENOSIS, ARTHROPATHY, PROGNATHISM, AND SHORT STATURE; LAPS SYNDROME. Identifiers: Orphanet 2588, MedGen C0796081, MONDO:0007688, OMIM 139210.
Juvenile polyposis/hereditary hemorrhagic telangiectasia syndrome (JPHT). Also called: POLYPOSIS, GENERALIZED JUVENILE, WITH PULMONARY ARTERIOVENOUS MALFORMATION; TELANGIECTASIA, HEREDITARY HEMORRHAGIC, WITH JUVENILE POLYPOSIS COLI; Juvenile Polyposis Syndrome / Hereditary Hemorrhagic Telangiectasia (JPS/HHT); JP/HHT SYNDROME; JUVENILE POLYPOSIS WITH HEREDITARY HEMORRHAGIC TELANGIECTASIA. Identifiers: Orphanet 2929, MedGen C1832942, MONDO:0008278, OMIM 175050.
Generalized juvenile polyposis/juvenile polyposis coli. Also called: Juvenile polyposis coli. Identifiers: Orphanet 329971, MedGen C1868081, MONDO:0008276.

Allele frequency attached by ClinVar (database versions not stated): gnomAD 0.00026 and 0.00033; TOPMed 0.00047; gnomAD exomes 0.00129; 1000 Genomes Project 30x 0.00141; 1000 Genomes Project 0.00160.
gnomAD v4.1: 146 of 232,676 alleles (0.063%); highest among the groups gnomAD compares: East Asian, 0.88%; 1 homozygote.

Submissions (4):

Illumina Laboratory Services, Illumina
Classification: Benign for Myhre syndrome. Last evaluated: 2018-03-20. Review status: criteria provided, single submitter. Criteria: ICSL Variant Classification Criteria 13 December 2019. Collection method: clinical testing. Allele origin: germline.
Comment: This variant was observed in the ICSL laboratory as part of a predisposition screen in an ostensibly healthy population. It had not been previously curated by ICSL or reported in the Human Gene Mutation Database (HGMD: prior to June 1st, 2018), and was therefore a candidate for classification through an automated scoring system. Utilizing variant allele frequency, disease prevalence and penetrance estimates, and inheritance mode, an automated score was calculated to assess if this variant is too frequent to cause the disease. Based on the score and internal cut-off values, a variant classified as benign is not then subjected to further curation. The score for this variant resulted in a classification of benign for this disease.

Illumina Laboratory Services, Illumina
Classification: Benign for Juvenile polyposis/hereditary hemorrhagic telangiectasia syndrome. Last evaluated: 2018-03-20. Review status: criteria provided, single submitter. Criteria: ICSL Variant Classification Criteria 13 December 2019. Collection method: clinical testing. Allele origin: germline.
Comment: the same text as in the submission from Illumina Laboratory Services, Illumina above.

Illumina Laboratory Services, Illumina
Classification: Benign for Juvenile polyposis syndrome. Last evaluated: 2018-03-20. Review status: criteria provided, single submitter. Criteria: ICSL Variant Classification Criteria 13 December 2019. Collection method: clinical testing. Allele origin: germline.
Comment: the same text as in the submission from Illumina Laboratory Services, Illumina above.

Breakthrough Genomics
Classification: Benign. Review status: criteria provided, single submitter. Criteria: ACMG Guidelines, 2015. Collection method: not provided. Allele origin: germline. Inheritance: Autosomal dominant inheritance. Affected: yes.

NM_005359.6(SMAD4):c.*1659C>A

Gene: SMAD4 (SMAD family member 4; plus strand). Cytogenetic location: 18q21.2.
Variant type: single nucleotide variant.
Coding change: c.*1659C>A on transcript NM_005359.6 (MANE Select); 1659 bases downstream of the stop codon, C replaced by A.
Molecular consequence: 3 prime UTR variant.
Genome position (GRCh38, 1-based): chr18:51,080,126, C>A. VCF-style: chr18-51080126-C-A. GRCh37 (hg19) VCF-style: chr18-48606496-C-A.
Identifiers: ClinVar variation 890355 (VCV000890355.5), dbSNP rs574896468, ClinGen allele CA300090259.